The following is an entry in ClinVar:

NM_001267550.2(TTN):c.91404G>A (p.Trp30468Ter)

Genes: TTN (titin; minus strand), TTN-AS1 (TTN antisense RNA 1; plus strand). Cytogenetic location: 2q31.2.
Variant type: single nucleotide variant.
Coding change: c.91404G>A on transcript NM_001267550.2 (MANE Select); coding-DNA position 91404, G replaced by A.
Protein change: p.Trp30468Ter; replaces tryptophan 30468 with a stop codon.
Molecular consequence: nonsense.
Genome position (GRCh38, 1-based): chr2:178,551,127, C>T on the plus strand (G>A on the coding strand, the complement: TTN is on the minus strand). VCF-style: chr2-178551127-C-T. GRCh37 (hg19) VCF-style: chr2-179415854-C-T.
Other names: c.86481G>A, p.Trp28827Ter (NM_001256850.1); c.64209G>A, p.Trp21403Ter (NM_003319.4); c.83700G>A, p.Trp27900Ter (NM_133378.4); c.64584G>A, p.Trp21528Ter (NM_133432.3); c.64785G>A, p.Trp21595Ter (NM_133437.4); short protein forms W21403*, W21528*, W21595*, W27900*, W28827*, W30468*.
Identifiers: ClinVar variation 4813586 (VCV004813586.1).
Genomic context (GRCh38, chr2:178,551,127, plus strand): 5'-AGGACTGAGTCCTGTAACTGTGTACTGACATTCACTGACGTCAGTAAAGTTGCATCTCAC[C>T]CAGCGTTCATTTCCTTGCCGTTTCTCAATGCTATAGCCCACAATCTTACTGCCTCCATCA-3'

ClinVar aggregate classification (germline): Pathogenic (1 of 4 stars; one submission).

Conditions:
Early-onset myopathy with fatal cardiomyopathy (CMYO5). Also called: Salih Myopathy; CONGENITAL MYOPATHY 5 WITH CARDIOMYOPATHY. Identifiers: Orphanet 289377, MedGen C2673677, MONDO:0012714, OMIM 611705. Disease mechanism: loss of function.

Submission:

Mendelics
Classification: Pathogenic for Early-onset myopathy with fatal cardiomyopathy. Last evaluated: 2026-03-05. Review status: criteria provided, single submitter. Criteria: ACMG Guidelines, 2015. Collection method: clinical testing. Allele origin: unknown.
Comment: Likely pathogenic/Pathogenic according to ACMG criteria.